The following is an entry in ClinVar:

NM_001035.3(RYR2):c.1962C>T (p.Ser654=)

Gene: RYR2 (ryanodine receptor 2; plus strand). Cytogenetic location: 1q43.
Variant type: single nucleotide variant.
Coding change: c.1962C>T on transcript NM_001035.3 (MANE Select); coding-DNA position 1962, C replaced by T.
Protein change: p.Ser654=; no amino-acid change (serine 654 retained).
Molecular consequence: synonymous variant.
Genome position (GRCh38, 1-based): chr1:237,496,511, C>T. VCF-style: chr1-237496511-C-T. GRCh37 (hg19) VCF-style: chr1-237659811-C-T.
Identifiers: ClinVar variation 845206 (VCV000845206.11), dbSNP rs1664091413, ClinGen allele CA424030467.
Genomic context (GRCh38, chr1:237,496,511, plus strand): 5'-ATGAAAACAATGAAAGGTTTTTTTGGACTTTCCTTACATGTGATTCCCGTCTCTTTAAAG[C>T]ATGAGACCCAATATTTTTCTGGGCGTCAGTGAAGGTTCTGCTCAGTATAAGAAATGGTAC-3'
Protein context (NP_001026.2, residues 644-664): LQTRLVNHVS[Ser654=]MRPNIFLGVS

ClinVar aggregate classification (germline): Uncertain significance (1 of 4 stars; one submission).

Conditions:
Catecholaminergic polymorphic ventricular tachycardia 1. Also called: VENTRICULAR TACHYCARDIA, CATECHOLAMINERGIC POLYMORPHIC, 1, WITH OR WITHOUT ATRIAL DYSFUNCTION AND/OR DILATED CARDIOMYOPATHY; VENTRICULAR TACHYCARDIA, STRESS-INDUCED POLYMORPHIC 1; RYR2-Related Catecholaminergic Polymorphic Ventricular Tachycardia. Identifiers: Orphanet 3286, MedGen C1631597, MONDO:0011484, OMIM 604772.

Allele frequency attached by ClinVar (database versions not stated): gnomAD exomes below 0.00001.
gnomAD v4.1: 1 of 1,613,646 alleles (0.000062%); highest among the groups gnomAD compares: Non-Finnish European, 0.000085%; no homozygotes.

Submission:

Labcorp Genetics (formerly Invitae), Labcorp
Classification: Uncertain significance for Catecholaminergic polymorphic ventricular tachycardia 1. Last evaluated: 2019-03-18. Review status: criteria provided, single submitter. Criteria: Invitae Variant Classification Sherloc (09022015). Collection method: clinical testing. Allele origin: germline.
Comment: In summary, the available evidence is currently insufficient to determine the role of this variant in disease. Therefore, it has been classified as a Variant of Uncertain Significance. Algorithms developed to predict the effect of sequence changes on RNA splicing suggest that this variant may disrupt the consensus splice site, but this prediction has not been confirmed by published transcriptional studies. This variant has not been reported in the literature in individuals with RYR2-related conditions. This variant is not present in population databases (ExAC no frequency). This sequence change affects codon 654 of the RYR2 mRNA. It is a 'silent' change, meaning that it does not change the encoded amino acid sequence of the RYR2 protein.